The following is an entry in ClinVar:

ClinVar aggregate classification (germline): Likely pathogenic (1 of 4 stars; one submission).

Conditions:
Cohen syndrome (COH1). Also called: PEPPER SYNDROME; Cutis verticis gyrata, retinitis pigmentosa, and sensorineural deafness. Identifiers: Orphanet 193, MedGen C0265223, MONDO:0008999, OMIM 216550.

Submission:

Labcorp Genetics (formerly Invitae), Labcorp
Classification: Likely pathogenic for Cohen syndrome. Last evaluated: 2023-04-17. Review status: criteria provided, single submitter. Criteria: Invitae Variant Classification Sherloc (09022015). Collection method: clinical testing. Allele origin: germline.
Comment: This variant results in the deletion of part of exon 33 (c.5152-62_5159delinsAAGTAAGG) of the VPS13B gene. It is expected to disrupt RNA splicing. Variants that disrupt the donor or acceptor splice site typically lead to a loss of protein function (PMID: 16199547), and loss-of-function variants in VPS13B are known to be pathogenic (PMID: 15141358, 16648375, 20461111). This variant has not been reported in the literature in individuals affected with VPS13B-related conditions. In summary, the currently available evidence indicates that the variant is pathogenic, but additional data are needed to prove that conclusively. Therefore, this variant has been classified as Likely Pathogenic.

Literature cited by the submitters: PubMed 16199547; PubMed 15141358; PubMed 16648375; PubMed 20461111.

NM_152564.5(VPS13B):c.5077-62_5084delinsAAGTAAGG

Gene: VPS13B (vacuolar protein sorting 13 homolog B; plus strand). Cytogenetic location: 8q22.2.
Variant type: Indel.
Coding change: c.5077-62_5084delinsAAGTAAGG on transcript NM_152564.5 (MANE Select); 62 bases into the intron before coding-DNA position 5077 through coding-DNA position 5084, the reference bases replaced by AAGTAAGG.
Molecular consequence: splice acceptor variant.
Genome position (GRCh38, 1-based): chr8:99,577,428-99,577,497, 70 bases replaced. GRCh37 (hg19): chr8:100,589,656-100,589,725.
Other names: c.5152-62_5159delinsAAGTAAGG (NM_017890.5).
Identifiers: ClinVar variation 2857313 (VCV002857313.3), dbSNP rs2490909368, ClinGen allele CA2739268924.